The following is an entry in ClinVar:

NM_015915.5(ATL1):c.862+3T>G

Gene: ATL1 (atlastin GTPase 1; plus strand). Cytogenetic location: 14q22.1.
Variant type: single nucleotide variant.
Coding change: c.862+3T>G on transcript NM_015915.5 (MANE Select); 3 bases into the intron after coding-DNA position 862, T replaced by G.
Molecular consequence: intron variant.
Genome position (GRCh38, 1-based): chr14:50,614,514, T>G. VCF-style: chr14-50614514-T-G. GRCh37 (hg19) VCF-style: chr14-51081232-T-G.
Other names: c.862+3T>G (NM_001127713.1, NM_181598.4).
Identifiers: ClinVar variation 3695594 (VCV003695594.2).

ClinVar aggregate classification (germline): Uncertain significance (1 of 4 stars; one submission).

Conditions:
Hereditary spastic paraplegia 3A (SPG3A). Also called: Spastic paraplegia 3A, autosomal dominant; SPASTIC PARAPLEGIA 3, AUTOSOMAL DOMINANT; FAMILIAL SPASTIC PARAPLEGIA, AUTOSOMAL DOMINANT, 1; SPG3; STRUMPELL DISEASE; Spastic Paraplegia 3A. Identifiers: Orphanet 100984, MedGen C2931355, MONDO:0008437, OMIM 182600.

gnomAD v4.1: 3 of 1,613,580 alleles (0.00019%); highest among the groups gnomAD compares: African/African-American, 0.004%; no homozygotes.

Submission:

Labcorp Genetics (formerly Invitae), Labcorp
Classification: Uncertain significance for Hereditary spastic paraplegia 3A. Last evaluated: 2024-10-16. Review status: criteria provided, single submitter. Criteria: Invitae Variant Classification Sherloc (09022015). Collection method: clinical testing. Allele origin: germline.
Comment: This sequence change falls in intron 8 of the ATL1 gene. It does not directly change the encoded amino acid sequence of the ATL1 protein. It affects a nucleotide within the consensus splice site. This variant is present in population databases (rs762040115, gnomAD 0.01%). This variant has not been reported in the literature in individuals affected with ATL1-related conditions. Variants that disrupt the consensus splice site are a relatively common cause of aberrant splicing (PMID: 17576681, 9536098). Algorithms developed to predict the effect of sequence changes on RNA splicing suggest that this variant is not likely to affect RNA splicing. In summary, the available evidence is currently insufficient to determine the role of this variant in disease. Therefore, it has been classified as a Variant of Uncertain Significance.

Literature cited by the submitters: PubMed 17576681; PubMed 9536098.